The following is an entry in ClinVar:

NM_001142864.4(PIEZO1):c.3512T>C (p.Leu1171Pro)

Gene: PIEZO1 (piezo type mechanosensitive ion channel component 1 (Er blood group); minus strand). Cytogenetic location: 16q24.3.
Variant type: single nucleotide variant.
Coding change: c.3512T>C on transcript NM_001142864.4 (MANE Select); coding-DNA position 3512, T replaced by C.
Protein change: p.Leu1171Pro; replaces leucine 1171 with proline.
Molecular consequence: missense variant.
Genome position (GRCh38, 1-based): chr16:88,726,902, A>G on the plus strand (T>C on the coding strand, the complement: PIEZO1 is on the minus strand). VCF-style: chr16-88726902-A-G. GRCh37 (hg19) VCF-style: chr16-88793310-A-G.
Other names: short protein forms L1171P.
Identifiers: ClinVar variation 4995036 (VCV004995036.1).
Genomic context (GRCh38, chr16:88,726,902, plus strand): 5'-AGCAGGTAGCCCAGCCCGAAGATGCTGATGCGGGTGGCCCCCGTGACAAACACCACCACC[A>G]GCACCAGCCAGAACAGGTATCGGAAGACGGCCACCTTCAGCATGTCAAGGTAGGACCTGC-3'
Protein context (NP_001136336.2, residues 1161-1181): AVFRYLFWLV[Leu1171Pro]VVVFVTGATR

ClinVar aggregate classification (germline): Uncertain significance (1 of 4 stars; one submission).

Conditions:
PIEZO1-related disorder. Also called: PIEZO1-Related Disorders; PIEZO1-related condition.

Submission:

PreventionGenetics, part of Exact Sciences
Classification: Uncertain significance for PIEZO1-related condition. Last evaluated: 2026-01-13. Review status: criteria provided, single submitter. Criteria: ACMG Guidelines, 2015. Collection method: clinical testing. Allele origin: germline.
Comment: The PIEZO1 c.3512T>C variant is predicted to result in the amino acid substitution p.Leu1171Pro. To our knowledge, this variant has not been reported in the literature or in a large population database (gnomAD), indicating this variant is rare. At this time, the clinical significance of this variant is uncertain due to the absence of conclusive functional and genetic evidence.